The following is an entry in ClinVar:

NM_001385125.1(OPN1SW):c.217_222delinsTACA (p.Val73fs)

Gene: OPN1SW (opsin 1, short wave sensitive; minus strand). Cytogenetic location: 7q32.1.
Variant type: Indel.
Coding change: c.217_222delinsTACA on transcript NM_001385125.1 (MANE Select); coding-DNA positions 217 to 222, GTGTCC replaced by TACA.
Protein change: p.Val73fs; shifts the reading frame from valine 73.
Molecular consequence: frameshift variant.
Genome position (GRCh38, 1-based): chr7:128,775,560-128,775,565, GGACAC replaced by TGTA on the plus strand (GTGTCC replaced by TACA on the coding strand, the reverse complement: OPN1SW is on the minus strand). VCF-style: chr7-128775560-GGACAC-TGTA. GRCh37 (hg19) VCF-style: chr7-128415614-GGACAC-TGTA.
Other names: short protein forms V73fs.
Identifiers: ClinVar variation 1969880 (VCV001969880.5), dbSNP rs2536293234, ClinGen allele CA2580076586.

ClinVar aggregate classification (germline): Uncertain significance (1 of 4 stars; one submission).

Submission:

Labcorp Genetics (formerly Invitae), Labcorp
Classification: Uncertain significance. Last evaluated: 2023-08-10. Review status: criteria provided, single submitter. Criteria: Invitae Variant Classification Sherloc (09022015). Collection method: clinical testing. Allele origin: germline.
Comment: In summary, the available evidence is currently insufficient to determine the role of this variant in disease. Therefore, it has been classified as a Variant of Uncertain Significance. This variant has not been reported in the literature in individuals affected with OPN1SW-related conditions. This variant is present in population databases (rs773141243, gnomAD 0.0009%). This sequence change creates a premature translational stop signal (p.Val76Tyrfs*21) in the OPN1SW gene. It is expected to result in an absent or disrupted protein product. However, the current clinical and genetic evidence is not sufficient to establish whether loss-of-function variants in OPN1SW cause disease.